The following is an entry in ClinVar:

NM_206933.4(USH2A):c.9159T>G (p.Tyr3053Ter)

Gene: USH2A (usherin; minus strand). Cytogenetic location: 1q41.
Variant type: single nucleotide variant.
Coding change: c.9159T>G on transcript NM_206933.4 (MANE Select); coding-DNA position 9159, T replaced by G.
Protein change: p.Tyr3053Ter; replaces tyrosine 3053 with a stop codon.
Molecular consequence: nonsense.
Genome position (GRCh38, 1-based): chr1:215,844,393, A>C on the plus strand (T>G on the coding strand, the complement: USH2A is on the minus strand). VCF-style: chr1-215844393-A-C. GRCh37 (hg19) VCF-style: chr1-216017735-A-C.
Other names: short protein forms Y3053*.
Identifiers: ClinVar variation 48613 (VCV000048613.5), dbSNP rs397518042, ClinGen allele CA262125.

ClinVar aggregate classification (germline): Pathogenic (1 of 4 stars; one submission).

Conditions:
Rare genetic deafness. Identifiers: Orphanet 96210, MedGen C5680250.

Allele frequency attached by ClinVar (database versions not stated): gnomAD below 0.00001 and 0.00001; ExAC 0.00001.
gnomAD v4.1: 3 of 1,613,634 alleles (0.00019%); highest among the groups gnomAD compares: South Asian, 0.0033%; no homozygotes.

Submission:

Laboratory for Molecular Medicine, Mass General Brigham Personalized Medicine
Classification: Pathogenic for Rare genetic deafness. Last evaluated: 2012-03-12. Review status: criteria provided, single submitter. Criteria: LMM Criteria. Collection method: clinical testing. Allele origin: germline. Inheritance: Autosomal recessive inheritance. Observed: 2 variant alleles.
Comment: The Tyr3053X variant in USH2A has not been reported in the literature nor previo usly identified by our laboratory. This nonsense variant leads to a premature te rmination codon at position 3053, which is predicted to lead to a truncated or a bsent protein. In summary, this variant meets our criteria to be classified as p athogenic.